The following is an entry in ClinVar:

NM_033305.3(VPS13A):c.796_797insTCAAGTGCATCCTTAAT (p.Arg266fs)

Gene: VPS13A (vacuolar protein sorting 13 homolog A; plus strand). Cytogenetic location: 9q21.2.
Variant type: Insertion.
Coding change: c.796_797insTCAAGTGCATCCTTAAT on transcript NM_033305.3 (MANE Select); coding-DNA positions 796 to 797, TCAAGTGCATCCTTAAT inserted.
Protein change: p.Arg266fs; shifts the reading frame from arginine 266.
Molecular consequence: frameshift variant.
Genome position: GRCh38 VCF-style: chr9-77219995-C-CTCAAGTGCATCCTTAAT. GRCh37 (hg19) VCF-style: chr9-79834911-C-CTCAAGTGCATCCTTAAT.
Other names: c.796_797insTCAAGTGCATCCTTAAT, p.Arg266fs (NM_001018037.2, NM_001018038.3, NM_015186.4); short protein forms R266fs.
Identifiers: ClinVar variation 5011199 (VCV005011199.1).

ClinVar aggregate classification (germline): Pathogenic (1 of 4 stars; one submission).

Conditions:
VPS13A-related neurodegenerative disease. Also called: ACANTHOCYTOSIS WITH NEUROLOGIC DISORDER; LEVINE-CRITCHLEY SYNDROME; Choreoacanthocytosis; Chorea-acanthocytosis; Choreaacanthocytosis; VPS13A Disease. Identifiers: Orphanet 2388, MedGen C0393576, MONDO:0008695, OMIM 200150.

Submission:

Myriad Genetics, Inc.
Classification: Pathogenic for VPS13A-related neurodegenerative disease. Last evaluated: 2024-05-14. Review status: criteria provided, single submitter. Criteria: Myriad Autosomal Dominant, Autosomal Recessive and X-Linked Classification Criteria (2023). Collection method: clinical testing. Allele origin: unknown.
Comment: NM_033305.2(VPS13A):c.796_797ins17(R266Lfs*18) is expected to be pathogenic in the context of VPS13A disease. This variant is predicted to lead to an abnormal or absent protein product due to the creation of a premature termination codon in VPS13A, a gene where loss-of-function variants are known to be pathogenic. Please note: this variant was assessed in the context of healthy population screening.